The following is an entry in ClinVar:

ClinVar aggregate classification (germline): Uncertain significance (1 of 4 stars; one submission).

Allele frequency attached by ClinVar (database versions not stated): gnomAD 0.00001; gnomAD exomes below 0.00001; TOPMed below 0.00001.
gnomAD v4.1: 5 of 1,614,088 alleles (0.00031%); highest among the groups gnomAD compares: East Asian, 0.0022%; no homozygotes.

Submission:

Labcorp Genetics (formerly Invitae), Labcorp
Classification: Uncertain significance. Last evaluated: 2020-10-09. Review status: criteria provided, single submitter. Criteria: Invitae Variant Classification Sherloc (09022015). Collection method: clinical testing. Allele origin: germline.
Comment: This variant is not present in population databases (ExAC no frequency). This sequence change replaces alanine with threonine at codon 1258 of the SZT2 protein (p.Ala1258Thr). The alanine residue is highly conserved and there is a small physicochemical difference between alanine and threonine. This variant has not been reported in the literature in individuals with SZT2-related conditions. In summary, the available evidence is currently insufficient to determine the role of this variant in disease. Therefore, it has been classified as a Variant of Uncertain Significance. Algorithms developed to predict the effect of missense changes on protein structure and function (SIFT, PolyPhen-2, Align-GVGD) all suggest that this variant is likely to be tolerated, but these predictions have not been confirmed by published functional studies and their clinical significance is uncertain.

NM_001365999.1(SZT2):c.3943G>A (p.Ala1315Thr)

Gene: SZT2 (SZT2 subunit of KICSTOR complex; plus strand). Cytogenetic location: 1p34.2.
Variant type: single nucleotide variant.
Coding change: c.3943G>A on transcript NM_001365999.1 (MANE Select); coding-DNA position 3943, G replaced by A.
Protein change: p.Ala1315Thr; replaces alanine 1315 with threonine.
Molecular consequence: missense variant.
Genome position (GRCh38, 1-based): chr1:43,428,263, G>A. VCF-style: chr1-43428263-G-A. GRCh37 (hg19) VCF-style: chr1-43893934-G-A.
Other names: c.3772G>A, p.Ala1258Thr (NM_015284.4); short protein forms A1258T, A1315T.
Identifiers: ClinVar variation 1015574 (VCV001015574.9), dbSNP rs1653427302, ClinGen allele CA340019652.